The following is an entry in ClinVar:

ClinVar aggregate classification (germline): Uncertain significance. Review status: criteria provided, multiple submitters, no conflicts (2 of 4 stars). 2 submissions from 2 submitters: Uncertain significance (2). Last evaluated 2021-10-12.

Conditions:
Inborn genetic diseases. Identifiers: MedGen C0950123, MeSH D030342.

Allele frequency attached by ClinVar (database versions not stated): TOPMed below 0.00001; gnomAD exomes 0.00001.
gnomAD v4.1: 12 of 1,614,234 alleles (0.00074%); highest among the groups gnomAD compares: Admixed American, 0.0017%; no homozygotes.

Submissions (2):

Ambry Genetics
Classification: Uncertain significance for Inborn genetic diseases. Last evaluated: 2021-10-12. Review status: criteria provided, single submitter. Criteria: Ambry Variant Classification Scheme 2023. Collection method: clinical testing. Allele origin: germline.

Labcorp Genetics (formerly Invitae), Labcorp
Classification: Uncertain significance. Last evaluated: 2021-09-24. Review status: criteria provided, single submitter. Criteria: Invitae Variant Classification Sherloc (09022015). Collection method: clinical testing. Allele origin: germline.
Comment: This sequence change replaces glutamine with arginine at codon 1594 of the LRP2 protein (p.Gln1594Arg). The glutamine residue is moderately conserved and there is a small physicochemical difference between glutamine and arginine. This variant is not present in population databases (ExAC no frequency). This variant has not been reported in the literature in individuals with LRP2-related conditions. Advanced modeling of protein sequence and biophysical properties (such as structural, functional, and spatial information, amino acid conservation, physicochemical variation, residue mobility, and thermodynamic stability) performed at Invitae indicates that this missense variant is not expected to disrupt LRP2 protein function. In summary, the available evidence is currently insufficient to determine the role of this variant in disease. Therefore, it has been classified as a Variant of Uncertain Significance.

NM_004525.3(LRP2):c.4781A>G (p.Gln1594Arg)

Gene: LRP2 (LDL receptor related protein 2; minus strand). Cytogenetic location: 2q31.1.
Variant type: single nucleotide variant.
Coding change: c.4781A>G on transcript NM_004525.3 (MANE Select); coding-DNA position 4781, A replaced by G.
Protein change: p.Gln1594Arg; replaces glutamine 1594 with arginine.
Molecular consequence: missense variant.
Genome position (GRCh38, 1-based): chr2:169,235,979, T>C on the plus strand (A>G on the coding strand, the complement: LRP2 is on the minus strand). VCF-style: chr2-169235979-T-C. GRCh37 (hg19) VCF-style: chr2-170092489-T-C.
Other names: c.4781A>G (NM_004525.2); short protein forms Q1594R.
Identifiers: ClinVar variation 1508135 (VCV001508135.6), dbSNP rs1223432344, ClinGen allele CA349142536.